The following is an entry in ClinVar:

NM_001035.3(RYR2):c.4680A>C (p.Ile1560=)

Gene: RYR2 (ryanodine receptor 2; plus strand). Cytogenetic location: 1q43.
Variant type: single nucleotide variant.
Coding change: c.4680A>C on transcript NM_001035.3 (MANE Select); coding-DNA position 4680, A replaced by C.
Protein change: p.Ile1560=; no amino-acid change (isoleucine 1560 retained).
Molecular consequence: synonymous variant.
Genome position (GRCh38, 1-based): chr1:237,602,108, A>C. VCF-style: chr1-237602108-A-C. GRCh37 (hg19) VCF-style: chr1-237765408-A-C.
Identifiers: ClinVar variation 1149262 (VCV001149262.13), dbSNP rs754412394, ClinGen allele CA086683.

ClinVar aggregate classification (germline): Likely benign. Review status: criteria provided, multiple submitters, no conflicts (2 of 4 stars). 3 submissions from 3 submitters: Likely benign (3). Last evaluated 2024-05-14.

Conditions:
Cardiomyopathy (CMYO). Also called: Cardiomyopathies. Identifiers: Orphanet 167848, MedGen C0878544, MONDO:0004994, HP:0001638. Inheritance: Various modes of inheritance.
Catecholaminergic polymorphic ventricular tachycardia 1. Also called: VENTRICULAR TACHYCARDIA, CATECHOLAMINERGIC POLYMORPHIC, 1, WITH OR WITHOUT ATRIAL DYSFUNCTION AND/OR DILATED CARDIOMYOPATHY; VENTRICULAR TACHYCARDIA, STRESS-INDUCED POLYMORPHIC 1; RYR2-Related Catecholaminergic Polymorphic Ventricular Tachycardia. Identifiers: Orphanet 3286, MedGen C1631597, MONDO:0011484, OMIM 604772.
Catecholaminergic polymorphic ventricular tachycardia (CVPT). Also called: Catecholamine-induced polymorphic ventricular tachycardia. Identifiers: Orphanet 3286, MedGen C5574922, MONDO:0017990.

Allele frequency attached by ClinVar (database versions not stated): ExAC 0.00001; gnomAD exomes 0.00001.
gnomAD v4.1: 14 of 1,609,682 alleles (0.00087%); highest among the groups gnomAD compares: South Asian, 0.0055%; no homozygotes.

Submissions (3):

All of Us Research Program, National Institutes of Health
Classification: Likely benign for Catecholaminergic polymorphic ventricular tachycardia. Last evaluated: 2024-05-14. Review status: criteria provided, single submitter. Criteria: ACMG Guidelines, 2015. Collection method: clinical testing. Allele origin: germline. Inheritance: Autosomal dominant inheritance. Observed: 1 variant allele, 1 heterozygote.
Comment: This study involves interpretation of variants in research participants for the purpose of population health screening. Participant phenotype was not available at the time of variant classification. Additional details can be found in publication PMID: 35346344, PMCID: PMC8962531

Color Diagnostics, LLC DBA Color Health
Classification: Likely benign for Cardiomyopathy. Last evaluated: 2020-12-11. Review status: criteria provided, single submitter. Criteria: ACMG Guidelines, 2015. Collection method: clinical testing. Allele origin: germline.

Labcorp Genetics (formerly Invitae), Labcorp
Classification: Likely benign for Catecholaminergic polymorphic ventricular tachycardia 1. Last evaluated: 2020-09-16. Review status: criteria provided, single submitter. Criteria: Invitae Variant Classification Sherloc (09022015). Collection method: clinical testing. Allele origin: germline.